The following is an entry in ClinVar:

ClinVar aggregate classification (germline): Uncertain significance (1 of 4 stars; one submission).

Conditions:
Brugada syndrome. Also called: Sudden unexplained nocturnal death syndrome; Sudden unexpected nocturnal death syndrome; Sudden Unexplained Death Syndrome; Sudden Unexplained Nocturnal Death Syndrome (SUNDS). Identifiers: Orphanet 130, MedGen C1142166, MONDO:0015263.

Submission:

Labcorp Genetics (formerly Invitae), Labcorp
Classification: Uncertain significance for Brugada syndrome. Last evaluated: 2022-08-09. Review status: criteria provided, single submitter. Criteria: Invitae Variant Classification Sherloc (09022015). Collection method: clinical testing. Allele origin: germline.
Comment: In summary, the available evidence is currently insufficient to determine the role of this variant in disease. Therefore, it has been classified as a Variant of Uncertain Significance. Algorithms developed to predict the effect of missense changes on protein structure and function are either unavailable or do not agree on the potential impact of this missense change (SIFT: "Tolerated"; PolyPhen-2: "Possibly Damaging"; Align-GVGD: "Class C0"). This variant has not been reported in the literature in individuals affected with SCN10A-related conditions. This variant is not present in population databases (gnomAD no frequency). This sequence change replaces isoleucine, which is neutral and non-polar, with methionine, which is neutral and non-polar, at codon 254 of the SCN10A protein (p.Ile254Met).

NM_006514.4(SCN10A):c.762C>G (p.Ile254Met)

Gene: SCN10A (sodium voltage-gated channel alpha subunit 10; minus strand). Cytogenetic location: 3p22.2.
Variant type: single nucleotide variant.
Coding change: c.762C>G on transcript NM_006514.4 (MANE Select); coding-DNA position 762, C replaced by G.
Protein change: p.Ile254Met; replaces isoleucine 254 with methionine.
Molecular consequence: missense variant.
Genome position (GRCh38, 1-based): chr3:38,761,313, G>C on the plus strand (C>G on the coding strand, the complement: SCN10A is on the minus strand). VCF-style: chr3-38761313-G-C. GRCh37 (hg19) VCF-style: chr3-38802804-G-C.
Other names: c.762C>G, p.Ile254Met (NM_001293306.2, NM_001293307.2); short protein forms I254M.
Identifiers: ClinVar variation 1974012 (VCV001974012.5), dbSNP rs1559450290, ClinGen allele CA352171729.